The following is an entry in ClinVar:

NM_015047.3(EMC1):c.2590G>C (p.Gly864Arg)

Genes: EMC1 (ER membrane protein complex subunit 1; minus strand), EMC1-AS1 (EMC1 antisense RNA 1; plus strand). Cytogenetic location: 1p36.13.
Variant type: single nucleotide variant.
Coding change: c.2590G>C on transcript NM_015047.3 (MANE Select); coding-DNA position 2590, G replaced by C.
Protein change: p.Gly864Arg; replaces glycine 864 with arginine.
Molecular consequence: missense variant.
Genome position (GRCh38, 1-based): chr1:19,220,846, C>G on the plus strand (G>C on the coding strand, the complement: EMC1 is on the minus strand). VCF-style: chr1-19220846-C-G. GRCh37 (hg19) VCF-style: chr1-19547340-C-G.
Other names: c.2587G>C, p.Gly863Arg (NM_001271427.2, NM_001271428.2); c.2524G>C, p.Gly842Arg (NM_001271429.2); c.2599G>C, p.Gly867Arg (NM_001375820.1); c.2596G>C, p.Gly866Arg (NM_001375821.1); short protein forms G842R, G863R, G864R, G866R, G867R.
Identifiers: ClinVar variation 3764364 (VCV003764364.1).

ClinVar aggregate classification (germline): Uncertain significance (1 of 4 stars; one submission).

Submission:

GeneDx
Classification: Uncertain significance. Last evaluated: 2024-08-22. Review status: criteria provided, single submitter. Criteria: GeneDx Variant Classification Process June 2021. Collection method: clinical testing. Allele origin: germline. Affected: yes.
Comment: Not observed at significant frequency in large population cohorts (gnomAD); In silico analysis supports that this missense variant has a deleterious effect on protein structure/function; Has not been previously published as pathogenic or benign to our knowledge